The following is an entry in ClinVar:

ClinVar aggregate classification (germline): Conflicting classifications of pathogenicity. Review status: criteria provided, conflicting classifications (1 of 4 stars). 3 submissions from 3 submitters: Likely pathogenic (1); Uncertain significance (2). Last evaluated 2024-11-01.

Conditions:
Tip-toe gait. Also called: Toe walking. Identifiers: MedGen C0427144, HP:0030051.

gnomAD v4.1: 9 of 1,614,092 alleles (0.00056%); highest among the groups gnomAD compares: East Asian, 0.0022%; no homozygotes.

Submissions (3):

CeGaT Center for Human Genetics Tuebingen
Classification: Uncertain significance. Last evaluated: 2024-11-01. Review status: criteria provided, single submitter. Criteria: CeGaT Center For Human Genetics Tuebingen Variant Classification Criteria Version 2. Collection method: clinical testing. Allele origin: germline. Affected: yes. Observed: 1 variant allele.
Comment: SBF1: PM2

Ambry Genetics
Classification: Uncertain significance. Last evaluated: 2024-05-29. Review status: criteria provided, single submitter. Criteria: Ambry Variant Classification Scheme 2023. Collection method: clinical testing. Allele origin: germline.

Practice for Gait Abnormalities, David Pomarino, Competency Network Toe Walking C/o Practice Pomarino
Classification: Likely pathogenic for Tip-toe gait. Last evaluated: 2022-07-25. Review status: criteria provided, single submitter. Criteria: Pomarino et al. (Glob Med Genet. 2023). Collection method: clinical testing. Allele origin: germline. Affected: yes.

NM_002972.4(SBF1):c.4654G>A (p.Asp1552Asn)

Gene: SBF1 (SET binding factor 1; minus strand). Cytogenetic location: 22q13.33.
Variant type: single nucleotide variant.
Coding change: c.4654G>A on transcript NM_002972.4 (MANE Select); coding-DNA position 4654, G replaced by A.
Protein change: p.Asp1552Asn; replaces aspartic acid 1552 with asparagine.
Molecular consequence: missense variant.
Genome position (GRCh38, 1-based): chr22:50,455,043, C>T on the plus strand (G>A on the coding strand, the complement: SBF1 is on the minus strand). VCF-style: chr22-50455043-C-T. GRCh37 (hg19) VCF-style: chr22-50893472-C-T.
Other names: c.4654G>A (NM_002972.3); c.4579G>A, p.Asp1527Asn (NM_001365819.1); c.4657G>A, p.Asp1553Asn (NM_001410794.1); c.4576G>A, p.Asp1526Asn (NM_001410795.1); short protein forms D1526N, D1552N, D1527N, D1553N.
Identifiers: ClinVar variation 3316242 (VCV003316242.16).
Genomic context (GRCh38, chr22:50,455,043, plus strand): 5'-CCGTGGCTGCCCCAGCCCCGACTCCCCACATACCCAGCTCAATGCGCTCATAGTCAGAGT[C>T]GAGCAGGAAGGTCCGGAAACGGCGGGACACATGGTGGTAGCCGAGGAACTTGAGGTAGAA-3'
Protein context (NP_002963.2, residues 1542-1562): VSRRFRTFLL[Asp1552Asn]SDYERIELGL